The following is an entry in ClinVar:

ClinVar aggregate classification (germline): Likely pathogenic (1 of 4 stars; one submission).

Submission:

Laboratorio de Genetica e Diagnostico Molecular, Hospital Israelita Albert Einstein
Classification: Likely pathogenic. Last evaluated: 2019-07-08. Review status: criteria provided, single submitter. Criteria: ACMG Guidelines, 2015. Collection method: clinical testing. Allele origin: germline. Affected: yes.
Comment: ACMG classification criteria: PVS1, PM2

NM_024306.5(FA2H):c.364-1G>A

Gene: FA2H (fatty acid 2-hydroxylase; minus strand). Cytogenetic location: 16q23.1.
Variant type: single nucleotide variant.
Coding change: c.364-1G>A on transcript NM_024306.5 (MANE Select); the canonical splice acceptor site of the intron before coding-DNA position 364, G replaced by A.
Molecular consequence: splice acceptor variant.
Genome position (GRCh38, 1-based): chr16:74,727,387, C>T on the plus strand (G>A on the coding strand, the complement: FA2H is on the minus strand). VCF-style: chr16-74727387-C-T. GRCh37 (hg19) VCF-style: chr16-74761285-C-T.
Identifiers: ClinVar variation 1690659 (VCV001690659.2), dbSNP rs2144617577, ClinGen allele CA396770279.